The following is an entry in ClinVar:

NM_001038.6(SCNN1A):c.1762T>G (p.Phe588Val)

Gene: SCNN1A (sodium channel epithelial 1 subunit alpha; minus strand). Cytogenetic location: 12p13.31.
Variant type: single nucleotide variant.
Coding change: c.1762T>G on transcript NM_001038.6 (MANE Select); coding-DNA position 1762, T replaced by G.
Protein change: p.Phe588Val; replaces phenylalanine 588 with valine.
Molecular consequence: missense variant.
Genome position (GRCh38, 1-based): chr12:6,348,121, A>C on the plus strand (T>G on the coding strand, the complement: SCNN1A is on the minus strand). VCF-style: chr12-6348121-A-C. GRCh37 (hg19) VCF-style: chr12-6457287-A-C.
Other names: c.1831T>G, p.Phe611Val (NM_001159575.2); c.1939T>G, p.Phe647Val (NM_001159576.2); short protein forms F588V, F611V, F647V.
Identifiers: ClinVar variation 1699625 (VCV001699625.2), dbSNP rs760600959, ClinGen allele CA6405714.

ClinVar aggregate classification (germline): Uncertain significance (1 of 4 stars; one submission).

Allele frequency attached by ClinVar (database versions not stated): ExAC 0.00001; gnomAD exomes 0.00001.
gnomAD v4.1: 5 of 1,614,078 alleles (0.00031%); highest among the groups gnomAD compares: Admixed American, 0.0067%; no homozygotes.

Submission:

GeneDx
Classification: Uncertain significance. Last evaluated: 2022-01-27. Review status: criteria provided, single submitter. Criteria: GeneDx Variant Classification Process June 2021. Collection method: clinical testing. Allele origin: germline. Affected: yes.
Comment: Not observed at significant frequency in large population cohorts (gnomAD); In silico analysis supports that this missense variant does not alter protein structure/function; Has not been previously published as pathogenic or benign to our knowledge